The following is an entry in ClinVar:

NM_000053.4(ATP7B):c.*15C>T

Gene: ATP7B (ATPase copper transporting beta; minus strand). Cytogenetic location: 13q14.3.
Variant type: single nucleotide variant.
Coding change: c.*15C>T on transcript NM_000053.4 (MANE Select); 15 bases downstream of the stop codon, C replaced by T.
Molecular consequence: 3 prime UTR variant.
Genome position (GRCh38, 1-based): chr13:51,934,741, G>A on the plus strand (C>T on the coding strand, the complement: ATP7B is on the minus strand). VCF-style: chr13-51934741-G-A. GRCh37 (hg19) VCF-style: chr13-52508877-G-A.
Other names: c.*15C>T (NM_001005918.3, NM_001243182.2, NM_001330578.2 and 1 more transcripts).
Identifiers: ClinVar variation 35733 (VCV000035733.15), dbSNP rs73498144, ClinGen allele CA260155.
Genomic context (GRCh38, chr13:51,934,741, plus strand): 5'-CCTGCTGCTGGCTGTCCTGCTCAGCTTGTGGTGAGTGGAGGCAAGTCCCTGCCCCGGCCC[G>A]CCTGCCTGAAGTCATCAGATGTACTGCTCCTCATCCCTGCCATTCAGGAGCAGAGACCAC-3'

ClinVar aggregate classification (germline): Benign/Likely benign. Review status: criteria provided, multiple submitters, no conflicts (2 of 4 stars). 5 submissions from 5 submitters: Benign (1); Likely benign (4). Last evaluated 2025-01-27.

Conditions:
Wilson disease (WND). Also called: Wilson's disease. Identifiers: Orphanet 905, MedGen C0019202, MONDO:0010200, OMIM 277900. Disease mechanism: loss of function.

Allele frequency attached by ClinVar (database versions not stated): gnomAD exomes 0.00050 and 0.00115; ExAC 0.00147; 1000 Genomes Project 0.00399; 1000 Genomes Project 30x 0.00437; gnomAD 0.00445 and 0.00493; ESP Exome Variant Server 0.00522; TOPMed 0.00555.
gnomAD v4.1: 1,444 of 1,612,332 alleles (0.09%); highest among the groups gnomAD compares: African/African-American, 1.5%; 9 homozygotes.

Submissions (5):

ARUP Laboratories, Molecular Genetics and Genomics, ARUP Laboratories
Classification: Likely benign for Wilson disease. Last evaluated: 2025-01-27. Review status: criteria provided, single submitter. Criteria: ARUP Molecular Germline Variant Investigation Process 2024. Collection method: clinical testing. Allele origin: germline.

Blueprint Genetics
Classification: Likely benign. Last evaluated: 2024-11-13. Review status: criteria provided, single submitter. Criteria: ACMG Guidelines, 2015. Collection method: clinical testing. Allele origin: germline.

Women's Health and Genetics/Laboratory Corporation of America, LabCorp
Classification: Benign. Last evaluated: 2022-02-25. Review status: criteria provided, single submitter. Criteria: LabCorp Variant Classification Summary - May 2015. Collection method: clinical testing. Allele origin: germline.
Comment: Variant summary: ATP7B c.*15C>T is located in the untranslated mRNA region downstream of the termination codon. The variant allele was found at a frequency of 0.0012 in 249316 control chromosomes (gnomAD, Coffey_2013), predominantly at a frequency of 0.016 within the African or African-American subpopulation in the gnomAD database, including 2 homozygotes. The observed variant frequency within African or African-American control individuals in the gnomAD database is approximately 3 fold of the estimated maximal expected allele frequency for a pathogenic variant in ATP7B causing the Wilson Disease phenotype (0.0054), strongly suggesting that the variant is a benign polymorphism found primarily in populations of African or African-American origin. To our knowledge, no occurrence of c.*15C>T in individuals affected with Wilson Disease and no experimental evidence demonstrating its impact on protein function have been reported. Three ClinVar submitters have assessed the variant since 2014: all have classified the variant as likely benign. Based on the evidence outlined above, the variant was classified as benign.

Illumina Laboratory Services, Illumina
Classification: Likely benign for Wilson disease. Last evaluated: 2018-01-13. Review status: criteria provided, single submitter. Criteria: ICSL Variant Classification Criteria 13 December 2019. Collection method: clinical testing. Allele origin: germline.
Comment: This variant was observed in the ICSL laboratory as part of a predisposition screen in an ostensibly healthy population. It had not been previously curated by ICSL or reported in the Human Gene Mutation Database (HGMD: prior to June 1st, 2018), and was therefore a candidate for classification through an automated scoring system. Utilizing variant allele frequency, disease prevalence and penetrance estimates, and inheritance mode, an automated score was calculated to assess if this variant is too frequent to cause the disease. Based on the score and internal cut-off values, a variant classified as likely benign is not then subjected to further curation. The score for this variant resulted in a classification of likely benign for this disease.

GeneDx
Classification: Likely benign. Last evaluated: 2017-08-15. Review status: criteria provided, single submitter. Criteria: GeneDx Variant Classification (06012015). Collection method: clinical testing. Allele origin: germline. Affected: yes.
Comment: This variant is considered likely benign or benign based on one or more of the following criteria: it is a conservative change, it occurs at a poorly conserved position in the protein, it is predicted to be benign by multiple in silico algorithms, and/or has population frequency not consistent with disease.

Literature cited by the submitters: PubMed 23518715 (cited by Women's Health and Genetics/Laboratory Corporation of America, LabCorp).